The following is an entry in ClinVar:

NM_001267550.2(TTN):c.53653G>T (p.Glu17885Ter)

Genes: TTN (titin; minus strand), TTN-AS1 (TTN antisense RNA 1; plus strand). Cytogenetic location: 2q31.2.
Variant type: single nucleotide variant.
Coding change: c.53653G>T on transcript NM_001267550.2 (MANE Select); coding-DNA position 53653, G replaced by T.
Protein change: p.Glu17885Ter; replaces glutamic acid 17885 with a stop codon.
Molecular consequence: nonsense.
Genome position (GRCh38, 1-based): chr2:178,605,642, C>A on the plus strand (G>T on the coding strand, the complement: TTN is on the minus strand). VCF-style: chr2-178605642-C-A. GRCh37 (hg19) VCF-style: chr2-179470369-C-A.
Other names: p.E16244*:GAG>TAG; c.48730G>T, p.Glu16244Ter (NM_001256850.1); c.26458G>T, p.Glu8820Ter (NM_003319.4); c.45949G>T, p.Glu15317Ter (NM_133378.4); c.26833G>T, p.Glu8945Ter (NM_133432.3); c.27034G>T, p.Glu9012Ter (NM_133437.4); short protein forms E15317*, E17885*, E16244*, E8945*, E9012*, E8820*.
Identifiers: ClinVar variation 165985 (VCV000165985.30), dbSNP rs727503607, ClinGen allele CA273273.
Genomic context (GRCh38, chr2:178,605,642, plus strand): 5'-CATGACGCCGTTTTTCAATGATATATCCTTGGATGGGACTGCCACCATTACTGCGGGGCT[C>A]TTTCCAGTCAAGTGTGATAGTGGACTTTGTCCTTTCAGTGTATGTGAGCCTCTCTGGAGA-3'

ClinVar aggregate classification (germline): Pathogenic/Likely pathogenic. Review status: criteria provided, multiple submitters, no conflicts (2 of 4 stars). 9 submissions from 9 submitters: Pathogenic (5); Likely pathogenic (4). Last evaluated 2025-03-31.

Conditions:
Dilated cardiomyopathy 1G (CMD1G). Identifiers: Orphanet 154, MedGen C1858763, MONDO:0011400, OMIM 604145.
Autosomal recessive limb-girdle muscular dystrophy type 2J (LGMDR10). Also called: MUSCULAR DYSTROPHY, LIMB-GIRDLE, AUTOSOMAL RECESSIVE 10; Limb-girdle muscular dystrophy, type 2J. Identifiers: Orphanet 140922, MedGen C1837342, MONDO:0012127, OMIM 608807.
TTN-related disorder. Also called: TTN-related disorders; TTN-related condition; TTN-related disease.
Cardiovascular phenotype. Identifiers: MedGen CN230736.
Primary familial dilated cardiomyopathy (FDC). Also called: Familial dilated cardiomyopathy; Hypokinetic dilated cardiomyopathy, familial. Identifiers: Orphanet 217607, MedGen C0340427, MONDO:0016333.
Cardiomyopathy (CMYO). Also called: Cardiomyopathies. Identifiers: Orphanet 167848, MedGen C0878544, MONDO:0004994, HP:0001638. Inheritance: Various modes of inheritance.
Primary dilated cardiomyopathy (DCM). Also called: Dilated Cardiomyopathy. Identifiers: Orphanet 217604, MedGen C0007193, MeSH D002311, MONDO:0005021, HP:0001644. Inheritance: Various modes of inheritance.

gnomAD v4.1: 1 of 1,611,132 alleles (0.000062%); highest among the groups gnomAD compares: Non-Finnish European, 0.000085%; no homozygotes.

Submissions (9):

Molecular Diagnostic Laboratory for Inherited Cardiovascular Disease, Montreal Heart Institute
Classification: Pathogenic for Cardiovascular phenotype. Last evaluated: 2025-03-31. Review status: criteria provided, single submitter. Criteria: ACMG Guidelines, 2015. Collection method: clinical testing. Allele origin: germline. Affected: yes.
Comment: PVS1, PS4_mod, PM2, PP1

Women's Health and Genetics/Laboratory Corporation of America, LabCorp
Classification: Likely pathogenic for Primary familial dilated cardiomyopathy. Last evaluated: 2024-12-31. Review status: criteria provided, single submitter. Criteria: LabCorp Variant Classification Summary - May 2015. Collection method: clinical testing. Allele origin: germline.
Comment: Variant summary: TTN NM_133378:c.45949G>T (p.Glu15317*) (also known as p.Glu8820X in NM_003319 and NM_001267550:c.53653G>T p.Glu17885*) results in a premature termination codon, predicted to cause a truncation of the encoded protein or absence of the protein due to nonsense mediated decay, which are commonly known mechanisms for disease. Loss of function variants in all TTN bands are strongly associated with a spectrum of autosomal recessive titinopathies when exon expression (proportion spliced in, PSI, 1=complete expression) in skeletal muscle is >0.1 (PMID: 36977548, 39198997, 29598826, 32778822, 29691892, 33449170, 36977548, internal data). In contrast, loss of function variants in all TTN bands are only strongly associated with autosomal dominant TTN-related cardiomyopathies if located in exons constitutively expressed (PSI >0.9) in cardiac muscle, excluding extreme C-terminal exons 359-363 (PMID: 25589632, 31216868, 32964742, 34662387, 27869827, Shetty et al., Nat Cardiovasc Res 2024,, internal data). This variant has a maximum skeletal muscle PSI 0.970 and a maximum cardiac muscle PSI of 1.000. The variant was absent in 247344 control chromosomes. c.45949G>T has been reported in the literature in the presumed heterozygous state in at least 2 individuals affected with autosomal dominant dilated cardiomyopathy (e.g., Chami_2014, Labcorp (formerly Invitae)). These data indicate that the variant may be associated with disease. To our knowledge, no experimental evidence demonstrating an impact on protein function has been reported. The following publication has been ascertained in the context of this evaluation (PMID: 25448463). ClinVar contains an entry for this variant (Variation ID: 165985). Based on the evidence outlined above, the variant has been classified as likely pathogenic for both autosomal dominant and autosomal recessive TTN-related conditions.

Labcorp Genetics (formerly Invitae), Labcorp
Classification: Pathogenic for Dilated cardiomyopathy 1G; Autosomal recessive limb-girdle muscular dystrophy type 2J. Last evaluated: 2024-11-03. Review status: criteria provided, single submitter. Criteria: Invitae Variant Classification Sherloc (09022015). Collection method: clinical testing. Allele origin: germline.
Comment: This sequence change creates a premature translational stop signal (p.Glu17885*) in the TTN gene. While this is not anticipated to result in nonsense mediated decay, it is expected to create a truncated TTN protein. This variant is not present in population databases (gnomAD no frequency). This premature translational stop signal has been observed in individuals with dilated cardiomyopathy (PMID: 25448463; internal data). This variant is also known as p.Glu8820X. ClinVar contains an entry for this variant (Variation ID: 165985). This variant is located in the A band of TTN (PMID: 25589632). Truncating variants in this region are significantly overrepresented in patients affected with dilated cardiomyopathy (PMID: 25589632). Truncating variants in this region have also been reported in individuals affected with autosomal recessive centronuclear myopathy (PMID: 23975875). For these reasons, this variant has been classified as Pathogenic.

Blueprint Genetics
Classification: Likely pathogenic for TTN-related disorders. Last evaluated: 2024-08-02. Review status: criteria provided, single submitter. Criteria: ACMG Guidelines, 2015. Collection method: clinical testing. Allele origin: germline. Affected: yes. Observed: 2 variant alleles.

Ambry Genetics
Classification: Pathogenic for Cardiovascular phenotype. Last evaluated: 2024-07-03. Review status: criteria provided, single submitter. Criteria: Ambry Variant Classification Scheme 2023. Collection method: clinical testing. Allele origin: germline.
Comment: The p.E8820* pathogenic mutation (also known as c.26458G>T), located in coding exon 106 of the TTN gene, results from a G to T substitution at nucleotide position 26458. This changes the amino acid from a glutamic acid to a stop codon within coding exon 106. This exon is located in the A-band region of the N2-B isoform of the titin protein and is constitutively expressed in TTN transcripts (percent spliced in or PSI 100%). This variant has been detected in individuals with features consistent with dilated cardiomyopathy (Chami N et al. Can J Cardiol, 2014 Dec;30:1655-61; Ambry internal data). This variant is considered to be rare based on population cohorts in the Genome Aggregation Database (gnomAD). This alteration is expected to result in loss of function by premature protein truncation or nonsense-mediated mRNA decay. While truncating variants in TTN are present in 1-3% of the general population, truncating variants in the A-band are the most common cause of dilated cardiomyopathy (DCM) (Herman DS et al. N. Engl. J. Med., 2012 Feb;366:619-28; Roberts AM et al. Sci Transl Med, 2015 Jan;7:270ra6). TTN truncating variants encoded in constitutive exons (PSI >90%) have been found to be significantly associated with DCM regardless of their position in titin (Schafer S et al. Nat. Genet., 2017 01;49:46-53). Based on the supporting evidence, this variant is interpreted as a disease-causing mutation.

CHEO Genetics Diagnostic Laboratory, Children's Hospital of Eastern Ontario
Classification: Pathogenic for Cardiomyopathy. Last evaluated: 2022-10-28. Review status: criteria provided, single submitter. Criteria: ACMG Guidelines, 2015. Collection method: clinical testing. Allele origin: germline.

GeneDx
Classification: Pathogenic. Last evaluated: 2021-08-11. Review status: criteria provided, single submitter. Criteria: GeneDx Variant Classification Process June 2021. Collection method: clinical testing. Allele origin: germline. Affected: yes.
Comment: Reported in a patient with cardiomyopathy (reported as p.E8820X due to alternate nomenclature; Chami et al., 2014); Reported in ClinVar (ClinVar Variant ID# 165985; Landrum et al., 2016); Not observed at significant frequency in large population cohorts (Lek et al., 2016); Nonsense variant predicted to result in protein truncation or nonsense mediated decay in a gene for which loss-of-function is a known mechanism of disease; Located in the A-band region of titin, where the majority of truncating pathogenic variants associated with DCM have been reported (Herman et al., 2012); This variant is associated with the following publications: (PMID: 25448463, 26582918)

Revvity Omics, Revvity
Classification: Likely pathogenic. Last evaluated: 2019-09-20. Review status: criteria provided, single submitter. Criteria: ACMG Guidelines, 2015. Collection method: clinical testing. Allele origin: germline.

Laboratory for Molecular Medicine, Mass General Brigham Personalized Medicine
Classification: Likely pathogenic for Primary dilated cardiomyopathy. Last evaluated: 2015-04-02. Review status: criteria provided, single submitter. Criteria: LMM Criteria. Collection method: clinical testing. Allele origin: germline. Inheritance: Autosomal dominant inheritance. Observed: 2 variant alleles.
Comment: proposed classification - variant undergoing re-assessment, contact laboratory

Literature cited by the submitters: PubMed 25448463 (cited by 4 submitters); PubMed 25589632 (cited by Labcorp Genetics (formerly Invitae), Labcorp); PubMed 23975875 (cited by Labcorp Genetics (formerly Invitae), Labcorp); PubMed 22335739 (cited by Laboratory for Molecular Medicine, Mass General Brigham Personalized Medicine); PubMed 24503780 (cited by Laboratory for Molecular Medicine, Mass General Brigham Personalized Medicine).